The following is an entry in ClinVar:

NM_000492.4(CFTR):c.3068T>C (p.Ile1023Thr)

Genes: CFTR (CF transmembrane conductance regulator; plus strand), CFTR-AS2 (CFTR antisense RNA 2; minus strand), LOC111674472 (DNase I hypersensitive sites in introns 16 and 17a of CFTR; plus strand). Cytogenetic location: 7q31.2.
Variant type: single nucleotide variant.
Coding change: c.3068T>C on transcript NM_000492.4 (MANE Select); coding-DNA position 3068, T replaced by C.
Protein change: p.Ile1023Thr; replaces isoleucine 1023 with threonine.
Molecular consequence: missense variant.
Genome position (GRCh38, 1-based): chr7:117,610,598, T>C. VCF-style: chr7-117610598-T-C. GRCh37 (hg19) VCF-style: chr7-117250652-T-C.
Other names: short protein forms I1023T.
Identifiers: ClinVar variation 3491636 (VCV003491636.1).

ClinVar aggregate classification (germline): Uncertain significance (1 of 4 stars; one submission).

Conditions:
Cystic fibrosis (CF). Also called: MUCOVISCIDOSIS. Identifiers: Orphanet 586, MedGen C0010674, MONDO:0009061, OMIM 219700. Disease mechanism: loss of function.

Submission:

Ambry Genetics
Classification: Uncertain significance for Cystic fibrosis. Last evaluated: 2024-08-10. Review status: criteria provided, single submitter. Criteria: Ambry Variant Classification Scheme 2023. Collection method: clinical testing. Allele origin: germline.
Comment: The p.I1023T variant (also known as c.3068T>C), located in coding exon 19 of the CFTR gene, results from a T to C substitution at nucleotide position 3068. The isoleucine at codon 1023 is replaced by threonine, an amino acid with similar properties. This amino acid position is not well conserved in available vertebrate species. In addition, the in silico prediction for this alteration is inconclusive. Based on the available evidence, the clinical significance of this variant remains unclear.